The following is an entry in ClinVar:

NM_004820.5(CYP7B1):c.1407T>C (p.Tyr469=)

Gene: CYP7B1 (cytochrome P450 family 7 subfamily B member 1; minus strand). Cytogenetic location: 8q12.3.
Variant type: single nucleotide variant.
Coding change: c.1407T>C on transcript NM_004820.5 (MANE Select); coding-DNA position 1407, T replaced by C.
Protein change: p.Tyr469=; no amino-acid change (tyrosine 469 retained).
Molecular consequence: synonymous variant. On other transcripts: intron variant (1).
Genome position (GRCh38, 1-based): chr8:64,596,756, A>G on the plus strand (T>C on the coding strand, the complement: CYP7B1 is on the minus strand). VCF-style: chr8-64596756-A-G. GRCh37 (hg19) VCF-style: chr8-65509313-A-G.
Other names: c.1407T>C (NM_004820.4); c.1234-6912T>C (NM_001324112.2).
Identifiers: ClinVar variation 3020516 (VCV003020516.4), dbSNP rs369591012, ClinGen allele CA178383042.

ClinVar aggregate classification (germline): Likely benign. Review status: criteria provided, multiple submitters, no conflicts (2 of 4 stars). 2 submissions from 2 submitters: Likely benign (2). Last evaluated 2026-04-02.

Conditions:
CYP7B1-related disorder. Also called: CYP7B1-related condition.
Spastic paraplegia. Identifiers: MedGen C0037772, HP:0001258.

Allele frequency attached by ClinVar (database versions not stated): gnomAD 0.00001; gnomAD exomes 0.00001; TOPMed 0.00002; ESP Exome Variant Server 0.00008.
gnomAD v4.1: 22 of 1,613,894 alleles (0.0014%); highest among the groups gnomAD compares: Non-Finnish European, 0.0018%; no homozygotes.

Submissions (2):

PreventionGenetics, part of Exact Sciences
Classification: Likely benign for CYP7B1-related condition. Last evaluated: 2026-04-02. Review status: criteria provided, single submitter. Criteria: ACMG Guidelines, 2015. Collection method: clinical testing. Allele origin: germline.
Comment: This variant is classified as likely benign based on ACMG/AMP sequence variant interpretation guidelines (Richards et al. 2015 PMID: 25741868, with internal and published modifications).

Labcorp Genetics (formerly Invitae), Labcorp
Classification: Likely benign for Spastic paraplegia. Last evaluated: 2024-06-18. Review status: criteria provided, single submitter. Criteria: Invitae Variant Classification Sherloc (09022015). Collection method: clinical testing. Allele origin: germline.